The following is an entry in ClinVar:

ClinVar aggregate classification (germline): Likely benign. Review status: criteria provided, multiple submitters, no conflicts (2 of 4 stars). 4 submissions from 4 submitters: Likely benign (3). 1 of the submissions does not count toward it. Last evaluated 2026-03-03.

Conditions:
FBLN5-related disorder. Also called: FBLN5-related condition.

Allele frequency attached by ClinVar (database versions not stated): ExAC 0.00001; TOPMed 0.00001; gnomAD 0.00003; ESP Exome Variant Server 0.00008.
gnomAD v4.1: 22 of 1,613,528 alleles (0.0014%); highest among the groups gnomAD compares: Admixed American, 0.012%; no homozygotes.

Submissions (4):

Women's Health and Genetics/Laboratory Corporation of America, LabCorp
Classification: Likely benign. Last evaluated: 2026-03-03. Review status: criteria provided, single submitter. Criteria: LabCorp Variant Classification Summary - May 2015. Collection method: clinical testing. Allele origin: germline.

Labcorp Genetics (formerly Invitae), Labcorp
Classification: Likely benign. Last evaluated: 2025-02-26. Review status: criteria provided, single submitter. Criteria: Invitae Variant Classification Sherloc (09022015). Collection method: clinical testing. Allele origin: germline.

Blueprint Genetics
Classification: Likely benign. Last evaluated: 2022-09-08. Review status: criteria provided, single submitter. Criteria: ACMG Guidelines, 2015. Collection method: clinical testing. Allele origin: germline.

PreventionGenetics, part of Exact Sciences
Classification: Likely benign for FBLN5-related condition. Last evaluated: 2023-02-15. Review status: no assertion criteria provided. Collection method: clinical testing. Allele origin: germline. Not counted in ClinVar's aggregate classification.
Comment: This variant is classified as likely benign based on ACMG/AMP sequence variant interpretation guidelines (Richards et al. 2015 PMID: 25741868, with internal and published modifications).

NM_006329.4(FBLN5):c.726C>T (p.Gly242=)

Gene: FBLN5 (fibulin 5; minus strand). Cytogenetic location: 14q32.12.
Variant type: single nucleotide variant.
Coding change: c.726C>T on transcript NM_006329.4 (MANE Select); coding-DNA position 726, C replaced by T.
Protein change: p.Gly242=; no amino-acid change (glycine 242 retained).
Molecular consequence: synonymous variant.
Genome position (GRCh38, 1-based): chr14:91,887,206, G>A on the plus strand (C>T on the coding strand, the complement: FBLN5 is on the minus strand). VCF-style: chr14-91887206-G-A. GRCh37 (hg19) VCF-style: chr14-92353550-G-A.
Other names: c.849C>T, p.Gly283= (NM_001384158.1); c.777C>T, p.Gly259= (NM_001384159.1); c.726C>T, p.Gly242= (NM_001384160.1); c.558C>T, p.Gly186= (NM_001384161.1, NM_001384162.1).
Identifiers: ClinVar variation 1984569 (VCV001984569.8), dbSNP rs148209555, ClinGen allele CA7312756.